The following is an entry in ClinVar:

NM_000181.4(GUSB):c.1476+3G>A

Gene: GUSB (glucuronidase beta; minus strand). Cytogenetic location: 7q11.21.
Variant type: single nucleotide variant.
Coding change: c.1476+3G>A on transcript NM_000181.4 (MANE Select); 3 bases into the intron after coding-DNA position 1476, G replaced by A.
Molecular consequence: intron variant.
Genome position (GRCh38, 1-based): chr7:65,970,279, C>T on the plus strand (G>A on the coding strand, the complement: GUSB is on the minus strand). VCF-style: chr7-65970279-C-T. GRCh37 (hg19) VCF-style: chr7-65435266-C-T.
Other names: c.819+3G>A (NM_001293105.2); c.906+3G>A (NM_001293104.2); c.1038+3G>A (NM_001284290.2).
Identifiers: ClinVar variation 282925 (VCV000282925.12), dbSNP rs886042522, ClinGen allele CA10604346.

ClinVar aggregate classification (germline): Conflicting classifications of pathogenicity. Review status: criteria provided, conflicting classifications (1 of 4 stars). 5 submissions from 5 submitters: Uncertain significance (3); Likely benign (1). 1 of the submissions does not count toward it. Last evaluated 2026-03-23.

Conditions:
Mucopolysaccharidosis type 7 (MPS7). Also called: MPS VII; BETA-GLUCURONIDASE DEFICIENCY; GUSB DEFICIENCY; SLY SYNDROME. Identifiers: Orphanet 584, MedGen C0085132, MONDO:0009662, OMIM 253220.

Allele frequency attached by ClinVar (database versions not stated): gnomAD exomes below 0.00001.
gnomAD v4.1: 3 of 1,602,998 alleles (0.00019%); highest among the groups gnomAD compares: Middle Eastern, 0.05%; no homozygotes.

Submissions (5):

Women's Health and Genetics/Laboratory Corporation of America, LabCorp
Classification: Uncertain significance. Last evaluated: 2026-03-23. Review status: criteria provided, single submitter. Criteria: LabCorp Variant Classification Summary - May 2015. Collection method: clinical testing. Allele origin: germline.

Blueprint Genetics
Classification: Likely benign. Last evaluated: 2022-11-28. Review status: criteria provided, single submitter. Criteria: ACMG Guidelines, 2015. Collection method: clinical testing. Allele origin: germline.

Labcorp Genetics (formerly Invitae), Labcorp
Classification: Uncertain significance for Mucopolysaccharidosis type 7. Last evaluated: 2021-11-19. Review status: criteria provided, single submitter. Criteria: Invitae Variant Classification Sherloc (09022015). Collection method: clinical testing. Allele origin: germline.
Comment: This sequence change falls in intron 9 of the GUSB gene. It does not directly change the encoded amino acid sequence of the GUSB protein. It affects a nucleotide within the consensus splice site. This variant is not present in population databases (gnomAD no frequency). This variant has not been reported in the literature in individuals affected with GUSB-related conditions. ClinVar contains an entry for this variant (Variation ID: 282925). Variants that disrupt the consensus splice site are a relatively common cause of aberrant splicing (PMID: 17576681, 9536098). Algorithms developed to predict the effect of sequence changes on RNA splicing suggest that this variant is not likely to affect RNA splicing. In summary, the available evidence is currently insufficient to determine the role of this variant in disease. Therefore, it has been classified as a Variant of Uncertain Significance.

Eurofins Ntd Llc (ga)
Classification: Uncertain significance. Last evaluated: 2015-08-25. Review status: criteria provided, single submitter. Criteria: EGL Classification Definitions 2015. Collection method: clinical testing. Allele origin: germline. Observed: 1 variant allele, 1 heterozygote.

Mayo Clinic Laboratories, Mayo Clinic
Classification: Uncertain significance. Last evaluated: 2017-04-25. Review status: no assertion criteria provided. Collection method: clinical testing. Allele origin: unknown. Not counted in ClinVar's aggregate classification.

Literature cited by the submitters: PubMed 17576681 (cited by Labcorp Genetics (formerly Invitae), Labcorp); PubMed 9536098 (cited by Labcorp Genetics (formerly Invitae), Labcorp).